The following is an entry in ClinVar:

ClinVar aggregate classification (germline): Uncertain significance (1 of 4 stars; one submission).

Conditions:
Ataxia-telangiectasia syndrome (AT). Also called: Ataxia-telangiectasia, complementation group D; AT, COMPLEMENTATION GROUP C; Ataxia-telangiectasia; Ataxia telangiectasia (A-T); Cerebello-oculocutaneous telangiectasia; Immunodeficiency with ataxia telangiectasia. Identifiers: Orphanet 100, MedGen C0004135, MONDO:0008840, OMIM 208900.

gnomAD v4.1: 2 of 1,609,256 alleles (0.00012%); highest among the groups gnomAD compares: African/African-American, 0.0013%; no homozygotes.

Submission:

Labcorp Genetics (formerly Invitae), Labcorp
Classification: Uncertain significance for Ataxia-telangiectasia syndrome. Last evaluated: 2024-03-04. Review status: criteria provided, single submitter. Criteria: Invitae Variant Classification Sherloc (09022015). Collection method: clinical testing. Allele origin: germline.
Comment: This sequence change replaces tyrosine, which is neutral and polar, with phenylalanine, which is neutral and non-polar, at codon 1216 of the ATM protein (p.Tyr1216Phe). This variant is not present in population databases (gnomAD no frequency). This variant has not been reported in the literature in individuals affected with ATM-related conditions. An algorithm developed to predict the effect of missense changes on protein structure and function (PolyPhen-2) suggests that this variant is likely to be disruptive. In summary, the available evidence is currently insufficient to determine the role of this variant in disease. Therefore, it has been classified as a Variant of Uncertain Significance.

NM_000051.4(ATM):c.3647A>T (p.Tyr1216Phe)

Gene: ATM (ATM serine/threonine kinase; plus strand). Cytogenetic location: 11q22.3.
Variant type: single nucleotide variant.
Coding change: c.3647A>T on transcript NM_000051.4 (MANE Select); coding-DNA position 3647, A replaced by T.
Protein change: p.Tyr1216Phe; replaces tyrosine 1216 with phenylalanine.
Molecular consequence: missense variant.
Genome position (GRCh38, 1-based): chr11:108,282,780, A>T. VCF-style: chr11-108282780-A-T. GRCh37 (hg19) VCF-style: chr11-108153507-A-T.
Other names: c.3647A>T, p.Tyr1216Phe (NM_001351834.2); short protein forms Y1216F.
Identifiers: ClinVar variation 3614569 (VCV003614569.2).
Genomic context (GRCh38, chr11:108,282,780, plus strand): 5'-AAGTTTCTGAAACTTTTGGATATAGACGTTTAGAAGACTTTATGGCATCTCATTTAGATT[A>T]TCTGGTTTTGGAATGGCTAAATCTTCAAGATACTGAATACAACTTATCTTCTTTTCCTTT-3'
Protein context (NP_000042.3, residues 1206-1226): LEDFMASHLD[Tyr1216Phe]LVLEWLNLQD